The following is an entry in ClinVar:

ClinVar aggregate classification (germline): Uncertain significance (1 of 4 stars; one submission).

Conditions:
Oculofaciocardiodental syndrome (MCOPS2). Identifiers: Orphanet 2712, MedGen C1846265, MONDO:0010261, OMIM 300166.

Submission:

Labcorp Genetics (formerly Invitae), Labcorp
Classification: Uncertain significance for Oculofaciocardiodental syndrome. Last evaluated: 2023-07-17. Review status: criteria provided, single submitter. Criteria: Invitae Variant Classification Sherloc (09022015). Collection method: clinical testing. Allele origin: germline.
Comment: In summary, the available evidence is currently insufficient to determine the role of this variant in disease. Therefore, it has been classified as a Variant of Uncertain Significance. Experimental studies and prediction algorithms are not available or were not evaluated, and the functional significance of this variant is currently unknown. ClinVar contains an entry for this variant (Variation ID: 465152). This variant has not been reported in the literature in individuals affected with BCOR-related conditions. Information on the frequency of this variant in the gnomAD database is not available, as this variant may be reported differently in the database. This sequence change replaces glycine, which is neutral and non-polar, with serine, which is neutral and polar, at codon 421 of the BCOR protein (p.Gly421Ser).

NM_001123385.2(BCOR):c.1260_1261inv (p.Gly421Ser)

Genes: BCOR (BCL6 corepressor; minus strand), LOC126863239 (MED14-independent group 3 enhancer GRCh37_chrX:39932994-39934193; plus strand). Cytogenetic location: Xp11.4.
Variant type: Inversion.
Coding change: c.1260_1261inv on transcript NM_001123385.2 (MANE Select).
Protein change: p.Gly421Ser; replaces glycine 421 with serine.
Molecular consequence: missense variant.
Genome position: GRCh38 VCF-style: chrX-40074085-CA-TG. GRCh37 (hg19) VCF-style: chrX-39933338-CA-TG.
Other names: c.1260_1261invTG, p.Gly421Ser (NM_001123383.2); c.1260_1261inv, p.Gly421Ser (NM_001123384.2, NM_017745.6); short protein forms G421S.
Identifiers: ClinVar variation 465152 (VCV000465152.7), ClinGen allele CA658658974.
Genomic context (GRCh38, chrX:40,074,085, plus strand): 5'-GTGGCTTATCTGTGACGTCTTTGGTAACGGTCTGCTTCTCCAACAGAGGAGGTGAGCTGC[CA>TG]TCTTTTCTGTCTTGAACCGCTGTCTTCCGGGCATGCCCGGGCACTGGCTGGGCACCTTCG-3'
Protein context (NP_001116857.1, residues 411-431): RKTAVQDRKD[Gly421Ser]SSPPLLEKQT